The following is an entry in ClinVar:

ClinVar aggregate classification (germline): Pathogenic/Likely pathogenic. Review status: criteria provided, multiple submitters, no conflicts (2 of 4 stars). 6 submissions from 6 submitters: Pathogenic (3); Likely pathogenic (3). Last evaluated 2025-11-06.

Conditions:
IRF2BPL-related disorder. Also called: IRF2BPL-related condition. Identifiers: MedGen CN381093.
Neurodevelopmental disorder with regression, abnormal movements, loss of speech, and seizures. Identifiers: Orphanet 597623, MedGen C4748127, MONDO:0060759, OMIM 618088.

Allele frequency attached by ClinVar (database versions not stated): gnomAD exomes below 0.00001.
gnomAD v4.1: 1 of 1,569,886 alleles (0.000064%); highest among the groups gnomAD compares: African/African-American, 0.0014%; no homozygotes.

Submissions (6):

3billion
Classification: Pathogenic for Neurodevelopmental disorder with regression, abnormal movements, loss of speech, and seizures. Last evaluated: 2025-11-06. Review status: criteria provided, single submitter. Criteria: ACMG Guidelines, 2015. Collection method: clinical testing. Allele origin: germline. Affected: yes.
Comment: The variant is observed at an extremely low frequency in the gnomAD v4.1.0 dataset (total allele frequency: <0.001%). Predicted Consequence/Location: Stop-gained (nonsense): predicted to result in a loss or disruption of normal protein function through protein truncation. The predicted truncated protein may be shortened by more than 10%. The variant has been previously reported as assumed (i.e. paternity and maternity not confirmed) de novo in at least one similarly affected unrelated individual (3billion dataset). The variant has been reported at least twice as pathogenic with clinical assertions and evidence for the classification (ClinVar ID: VCV000620458 /3billion dataset). Therefore, this variant is classified as Pathogenic according to the recommendation of ACMG/AMP guideline.

Laboratorio de Genetica e Diagnostico Molecular, Hospital Israelita Albert Einstein
Classification: Likely pathogenic for Neurodevelopmental disorder with regression, abnormal movements, loss of speech, and seizures. Last evaluated: 2025-04-17. Review status: criteria provided, single submitter. Criteria: ACMG Guidelines, 2015. Collection method: clinical testing. Allele origin: germline. Affected: yes.
Comment: ACMG classification criteria: PVS1 strong, PS4 supporting, PM2 supporting

CeGaT Center for Human Genetics Tuebingen
Classification: Likely pathogenic. Last evaluated: 2023-09-01. Review status: criteria provided, single submitter. Criteria: CeGaT Center For Human Genetics Tuebingen Variant Classification Criteria Version 2. Collection method: clinical testing. Allele origin: germline. Affected: yes. Observed: 1 variant allele.
Comment: IRF2BPL: PVS1:Strong, PM2, PS4:Moderate, PM6:Supporting

PreventionGenetics, part of Exact Sciences
Classification: Likely pathogenic for IRF2BPL-related condition. Last evaluated: 2023-05-10. Review status: criteria provided, single submitter. Criteria: ACMG Guidelines, 2015. Collection method: clinical testing. Allele origin: germline.
Comment: The IRF2BPL c.499C>T variant is predicted to result in premature protein termination (p.Gln167*). To our knowledge, this variant has not been reported in the literature or in a large population database, indicating this variant is rare. Nonsense variants in IRF2BPL are expected to be pathogenic. This variant is interpreted as likely pathogenic.

GeneDx
Classification: Pathogenic. Last evaluated: 2022-03-25. Review status: criteria provided, single submitter. Criteria: GeneDx Variant Classification Process June 2021. Collection method: clinical testing. Allele origin: germline. Affected: yes.
Comment: Nonsense variant in the C-terminus predicted to result in protein truncation, as the last 630 amino acids are lost, and other loss-of-function variants have been reported downstream in HGMD; Not observed at significant frequency in large population cohorts (gnomAD); Has not been previously published as pathogenic or benign to our knowledge

Undiagnosed Diseases Network, NIH
Classification: Pathogenic for Neurodevelopmental disorder with regression, abnormal movements, loss of speech, and seizures. Last evaluated: 2020-01-13. Review status: criteria provided, single submitter. Criteria: ACMG Guidelines, 2015. Collection method: clinical testing. Allele origin: de novo. Inheritance: Autosomal dominant inheritance. Affected: yes. Observed: 1 variant allele, 1 heterozygote. Study: Undiagnosed Diseases Network (NIH), UDN.

NM_024496.4(IRF2BPL):c.499C>T (p.Gln167Ter)

Gene: IRF2BPL (interferon regulatory factor 2 binding protein like; minus strand). Cytogenetic location: 14q24.3.
Variant type: single nucleotide variant.
Coding change: c.499C>T on transcript NM_024496.4 (MANE Select); coding-DNA position 499, C replaced by T.
Protein change: p.Gln167Ter; replaces glutamine 167 with a stop codon.
Molecular consequence: nonsense.
Genome position (GRCh38, 1-based): chr14:77,027,294, G>A on the plus strand (C>T on the coding strand, the complement: IRF2BPL is on the minus strand). VCF-style: chr14-77027294-G-A. GRCh37 (hg19) VCF-style: chr14-77493637-G-A.
Other names: short protein forms Q167*.
Identifiers: ClinVar variation 620458 (VCV000620458.33), dbSNP rs1566786613, ClinGen allele CA390499215.
Genomic context (GRCh38, chr14:77,027,294, plus strand): 5'-CGGTGTGGCTGCTGCTTCCCAGGCTCACCGGCGGTGGCGGGTACTCGAAGCGGCTGCGCT[G>A]TTCCACCGCAGCGGCGGCGGCGGCGGCGGCGGCGGCGGCAGCGCTTAGGCCGTAGCGCTC-3'